The following is an entry in ClinVar:

ClinVar aggregate classification (germline): Uncertain significance (1 of 4 stars; one submission).

Conditions:
Inborn genetic diseases. Identifiers: MedGen C0950123, MeSH D030342.

gnomAD v4.1: 1 of 1,614,192 alleles (0.000062%); highest among the groups gnomAD compares: South Asian, 0.0011%; no homozygotes.

Submission:

Ambry Genetics
Classification: Uncertain significance for Inborn genetic diseases. Last evaluated: 2026-05-14. Review status: criteria provided, single submitter. Criteria: Ambry Variant Classification Scheme 2023. Collection method: clinical testing. Allele origin: germline.
Comment: The p.W213C variant (also known as c.639G>T), located in coding exon 6 of the USB1 gene, results from a G to T substitution at nucleotide position 639. The tryptophan at codon 213 is replaced by cysteine, an amino acid with highly dissimilar properties. This amino acid position is conserved. In addition, this alteration is predicted to be deleterious by in silico analysis. Based on the available evidence, the clinical significance of this variant remains unclear.

NM_024598.4(USB1):c.639G>T (p.Trp213Cys)

Gene: USB1 (U6 snRNA biogenesis phosphodiesterase 1; plus strand). Cytogenetic location: 16q21.
Variant type: single nucleotide variant.
Coding change: c.639G>T on transcript NM_024598.4 (MANE Select); coding-DNA position 639, G replaced by T.
Protein change: p.Trp213Cys; replaces tryptophan 213 with cysteine.
Molecular consequence: missense variant.
Genome position (GRCh38, 1-based): chr16:58,019,001, G>T. VCF-style: chr16-58019001-G-T. GRCh37 (hg19) VCF-style: chr16-58052905-G-T.
Other names: c.585G>T, p.Trp195Cys (NM_001195302.2); c.486G>T, p.Trp162Cys (NM_001330568.2); short protein forms W162C, W195C, W213C.
Identifiers: ClinVar variation 4866364 (VCV004866364.1).